The following is an entry in ClinVar:

NM_000059.4(BRCA2):c.4574A>G (p.His1525Arg)

Gene: BRCA2 (BRCA2 DNA repair associated; plus strand). Cytogenetic location: 13q13.1.
Variant type: single nucleotide variant.
Coding change: c.4574A>G on transcript NM_000059.4 (MANE Select); coding-DNA position 4574, A replaced by G.
Protein change: p.His1525Arg; replaces histidine 1525 with arginine.
Molecular consequence: missense variant.
Genome position (GRCh38, 1-based): chr13:32,338,929, A>G. VCF-style: chr13-32338929-A-G. GRCh37 (hg19) VCF-style: chr13-32913066-A-G.
Other names: short protein forms H1525R.
Identifiers: ClinVar variation 37909 (VCV000037909.25), dbSNP rs397507336, ClinGen allele CA020478.

ClinVar aggregate classification (germline): Conflicting classifications of pathogenicity. Review status: criteria provided, conflicting classifications (1 of 4 stars). 9 submissions from 9 submitters: Uncertain significance (7); Likely benign (1). 1 of the submissions does not count toward it. Last evaluated 2025-12-09.

Conditions:
Hereditary cancer-predisposing syndrome. Also called: Hereditary neoplastic syndrome; Hereditary Cancer Syndrome; Tumor predisposition; Neoplastic Syndromes, Hereditary. Identifiers: Orphanet 140162, MedGen C0027672, MeSH D009386, MONDO:0015356.
Glioma susceptibility 3 (GLM3). Also called: Glioblastoma 3. Identifiers: Orphanet 182067, Orphanet 360, MedGen C2751641, MONDO:0013093, OMIM 613029.
Prostate cancer. Also called: Malignant tumor of prostate. Identifiers: Orphanet 1331, MedGen C0376358, MONDO:0008315, HP:0012125.
Breast-ovarian cancer, familial, susceptibility to, 2 (BROVCA2). Also called: BRCA2 Hereditary Breast and Ovarian Cancer. Identifiers: Orphanet 145, MedGen C2675520, MONDO:0012933, OMIM 612555. Disease mechanism: loss of function.
Wilms tumor 1 (WT1). Also called: Wilms tumor, somatic. Identifiers: Orphanet 654, MedGen CN033288, MONDO:0008679, OMIM 194070.
Medulloblastoma (MDB). Also called: MEDULLOBLASTOMA PREDISPOSITION SYNDROME; Medulloblastoma, somatic. Identifiers: Orphanet 616, MedGen C0025149, MeSH D008527, MONDO:0007959, OMIM 155255, HP:0002885.
Fanconi anemia complementation group D1. Also called: BRCA2-Related Fanconi Anemia. Identifiers: Orphanet 319462, MedGen C1838457, MONDO:0011584, OMIM 605724.
Familial cancer of breast. Also called: Hereditary breast cancer; hereditary breast carcinoma; BREAST CANCER, FAMILIAL. Identifiers: Orphanet 227535, MedGen C0346153, MONDO:0016419, OMIM 114480. Disease mechanism: loss of function.
Pancreatic cancer, susceptibility to, 2. Identifiers: Orphanet 1333, MedGen C3150546, MONDO:0013235, OMIM 613347.
Hereditary breast ovarian cancer syndrome. Also called: Breast and ovarian cancer; Hereditary breast and/or ovarian cancer syndrome; Hereditary breast and ovarian cancer; Hereditary breast and ovarian cancer syndrome; BRCA1- and BRCA2-Associated Hereditary Breast and Ovarian Cancer; Hereditary breast and ovarian cancer syndrome (HBOC). Identifiers: Orphanet 145, MedGen C0677776, MeSH D061325, MONDO:0003582. Disease mechanism: loss of function.

gnomAD v4.1: 7 of 1,613,952 alleles (0.00043%); highest among the groups gnomAD compares: South Asian, 0.0022%; no homozygotes.

Submissions (9):

Labcorp Genetics (formerly Invitae), Labcorp
Classification: Uncertain significance for Hereditary breast ovarian cancer syndrome. Last evaluated: 2025-12-09. Review status: criteria provided, single submitter. Criteria: Invitae Variant Classification Sherloc (09022015). Collection method: clinical testing. Allele origin: germline.
Comment: This sequence change replaces histidine, which is basic and polar, with arginine, which is basic and polar, at codon 1525 of the BRCA2 protein (p.His1525Arg). This variant is present in population databases (rs397507336, gnomAD 0.003%). This missense change has been observed in individual(s) with breast and/or ovarian cancer (PMID: 33067490). ClinVar contains an entry for this variant (Variation ID: 37909). Invitae Evidence Modeling of protein sequence and biophysical properties (such as structural, functional, and spatial information, amino acid conservation, physicochemical variation, residue mobility, and thermodynamic stability) indicates that this missense variant is not expected to disrupt BRCA2 protein function with a negative predictive value of 95%. In summary, the available evidence is currently insufficient to determine the role of this variant in disease. Therefore, it has been classified as a Variant of Uncertain Significance.

Women's Health and Genetics/Laboratory Corporation of America, LabCorp
Classification: Uncertain significance. Last evaluated: 2025-01-21. Review status: criteria provided, single submitter. Criteria: LabCorp Variant Classification Summary - May 2015. Collection method: clinical testing. Allele origin: germline.
Comment: Variant summary: BRCA2 c.4574A>G (p.His1525Arg) results in a non-conservative amino acid change in the encoded protein sequence. Four of five in-silico tools predict a benign effect of the variant on protein function. The variant allele was found at a frequency of 4e-06 in 250536 control chromosomes. The available data on variant occurrences in the general population are insufficient to allow any conclusion about variant significance. c.4574A>G has been reported in the literature in at least one individual affected with breast or ovarian cancer (Santonocito_2020). These report(s) do not provide unequivocal conclusions about association of the variant with Hereditary Breast And Ovarian Cancer Syndrome. To our knowledge, no experimental evidence demonstrating an impact on protein function has been reported. The following publication has been ascertained in the context of this evaluation (PMID: 32438681). ClinVar contains an entry for this variant (Variation ID: 37909). Based on the evidence outlined above, the variant was classified as uncertain significance.

Ambry Genetics
Classification: Uncertain significance for Hereditary cancer-predisposing syndrome. Last evaluated: 2025-01-10. Review status: criteria provided, single submitter. Criteria: Ambry Variant Classification Scheme 2023. Collection method: clinical testing. Allele origin: germline.
Comment: The p.H1525R variant (also known as c.4574A>G), located in coding exon 10 of the BRCA2 gene, results from an A to G substitution at nucleotide position 4574. The histidine at codon 1525 is replaced by arginine, an amino acid with highly similar properties. This amino acid position is not well conserved in available vertebrate species. In addition, the in silico prediction for this alteration is inconclusive. Based on the available evidence, the clinical significance of this variant remains unclear.

Quest Diagnostics Nichols Institute San Juan Capistrano
Classification: Uncertain significance. Last evaluated: 2024-06-13. Review status: criteria provided, single submitter. Criteria: Quest Diagnostics criteria. Collection method: clinical testing. Allele origin: unknown.
Comment: The BRCA2 c.4574A>G (p.His1525Arg) variant has been reported in the published literature in an individual with breast cancer and/or ovarian cancer (PMID: 32438681 (2020)), an individual with a personal or family history of unspecified cancer (PMID: 31853058 (2020)) and described to be located in a region of the BRCA2 gene that is tolerant to missense sequence changes (PMID: 31911673 (2020)). The frequency of this variant in the general population, 0.000004 (1/250536 chromosomes (Genome Aggregation Database)), is uninformative in the assessment of its pathogenicity. Analysis of this variant using bioinformatics tools for the prediction of the effect of amino acid changes on protein structure and function yielded predictions that this variant is benign. Based on the available information, we are unable to determine the clinical significance of this variant.

Blueprint Genetics
Classification: Uncertain significance. Last evaluated: 2023-05-23. Review status: criteria provided, single submitter. Criteria: ACMG Guidelines, 2015. Collection method: clinical testing. Allele origin: germline.

University of Washington Department of Laboratory Medicine, University of Washington
Classification: Likely benign for Hereditary cancer-predisposing syndrome. Last evaluated: 2023-03-23. Review status: criteria provided, single submitter. Criteria: Dines et al. (Genet Med. 2020). Collection method: curation. Allele origin: germline.
Comment: Missense variant in a coldspot region where missense variants are very unlikely to be pathogenic (PMID:31911673).

BRCA2 exon 11 coldspot. Reclassification based on statistical prior probability.

Fulgent Genetics
Classification: Uncertain significance for Familial cancer of breast; Medulloblastoma; Familial prostate cancer; Wilms tumor 1; Fanconi anemia complementation group D1; Breast-ovarian cancer, familial, susceptibility to, 2; Glioma susceptibility 3; Pancreatic cancer, susceptibility to, 2. Last evaluated: 2022-05-13. Review status: criteria provided, single submitter. Criteria: ACMG Guidelines, 2015. Collection method: clinical testing. Allele origin: unknown.

Molecular Genetics Laboratory, University of Michigan
Classification: Uncertain significance for Breast-ovarian cancer, familial, susceptibility to, 2. Last evaluated: 2016-04-21. Review status: criteria provided, single submitter. Criteria: ACMG Guidelines, 2015. Collection method: clinical testing. Allele origin: germline. Affected: yes.

Sharing Clinical Reports Project (SCRP)
Classification: Uncertain significance for Breast-ovarian cancer, familial 2. Last evaluated: 2006-11-14. Review status: no assertion criteria provided. Collection method: clinical testing. Allele origin: germline. Not counted in ClinVar's aggregate classification.

Literature cited by the submitters: PubMed 33067490 (cited by Labcorp Genetics (formerly Invitae), Labcorp); PubMed 32438681 (cited by 3 submitters); PubMed 31911673 (cited by Quest Diagnostics Nichols Institute San Juan Capistrano); PubMed 31853058 (cited by Quest Diagnostics Nichols Institute San Juan Capistrano).